The following is an entry in ClinVar:

ClinVar aggregate classification (germline): Uncertain significance (1 of 4 stars; one submission).

Allele frequency attached by ClinVar (database versions not stated): gnomAD exomes 0.00002 and 0.00004; ExAC 0.00003; gnomAD 0.00003 and 0.00004; TOPMed 0.00004.
gnomAD v4.1: 57 of 1,613,352 alleles (0.0035%); highest among the groups gnomAD compares: Admixed American, 0.0067%; no homozygotes.

Submission:

Labcorp Genetics (formerly Invitae), Labcorp
Classification: Uncertain significance. Last evaluated: 2023-08-24. Review status: criteria provided, single submitter. Criteria: Invitae Variant Classification Sherloc (09022015). Collection method: clinical testing. Allele origin: germline.
Comment: This sequence change falls in intron 2 of the UBA5 gene. It does not directly change the encoded amino acid sequence of the UBA5 protein. It affects a nucleotide within the consensus splice site. This variant is present in population databases (rs759157155, gnomAD 0.004%). This variant has not been reported in the literature in individuals affected with UBA5-related conditions. ClinVar contains an entry for this variant (Variation ID: 1447224). Variants that disrupt the consensus splice site are a relatively common cause of aberrant splicing (PMID: 17576681, 9536098). Algorithms developed to predict the effect of sequence changes on RNA splicing suggest that this variant is not likely to affect RNA splicing. In summary, the available evidence is currently insufficient to determine the role of this variant in disease. Therefore, it has been classified as a Variant of Uncertain Significance.

Literature cited by the submitters: PubMed 17576681; PubMed 9536098.

NM_024818.6(UBA5):c.207+6A>C

Genes: NPHP3-ACAD11 (NPHP3-ACAD11 readthrough (NMD candidate); minus strand), UBA5 (ubiquitin like modifier activating enzyme 5; plus strand). Cytogenetic location: 3q22.1.
Variant type: single nucleotide variant.
Coding change: c.207+6A>C on transcript NM_024818.6 (MANE Select); 6 bases into the intron after coding-DNA position 207, A replaced by C.
Molecular consequence: intron variant.
Genome position (GRCh38, 1-based): chr3:132,665,874, A>C. VCF-style: chr3-132665874-A-C. GRCh37 (hg19) VCF-style: chr3-132384718-A-C.
Other names: c.39+6A>C (NM_198329.4, NM_001320210.2); c.-39-2944A>C (NM_001321239.1); c.28-2944A>C (NM_001321238.2).
Identifiers: ClinVar variation 1447224 (VCV001447224.4), dbSNP rs759157155, ClinGen allele CA2621292.
Genomic context (GRCh38, chr3:132,665,874, plus strand): 5'-TGTTTTAAGCCGCTTGATGGCATTGAAACGAATGGGAATTGTAAGCGACTATGAGGTATG[A>C]TAAACCCTTTCCAAGTTTTTGTAAGATTAATTCAGTAAATTAAAATAACTTCTGGTGACA-3'